The following is an entry in ClinVar:

NM_000540.3(RYR1):c.9825C>T (p.Pro3275=)

Gene: RYR1 (ryanodine receptor 1; plus strand). Cytogenetic location: 19q13.2.
Variant type: single nucleotide variant.
Coding change: c.9825C>T on transcript NM_000540.3 (MANE Select); coding-DNA position 9825, C replaced by T.
Protein change: p.Pro3275=; no amino-acid change (proline 3275 retained).
Molecular consequence: synonymous variant.
Genome position (GRCh38, 1-based): chr19:38,517,498, C>T. VCF-style: chr19-38517498-C-T. GRCh37 (hg19) VCF-style: chr19-39008138-C-T.
Other names: c.9825C>T, p.Pro3275= (NM_001042723.2).
Identifiers: ClinVar variation 329093 (VCV000329093.11), dbSNP rs753425281, ClinGen allele CA074199.

ClinVar aggregate classification (germline): Conflicting classifications of pathogenicity. Review status: criteria provided, conflicting classifications (1 of 4 stars). 4 submissions from 3 submitters: Uncertain significance (2); Likely benign (2). Last evaluated 2025-12-20.

Conditions:
RYR1-related disorder. Also called: RYR1-related condition; RYR1-related disorders. Identifiers: MedGen CN239331.
Congenital multicore myopathy with external ophthalmoplegia (CMYO1B). Also called: MULTICORE MYOPATHY; Minicore myopathy with external ophthalmoplegia; Congenital myopathy 1B, autosomal recessive; Minicore myopathy; MULTIMINICORE DISEASE WITH EXTERNAL OPHTHALMOPLEGIA. Identifiers: Orphanet 598, Orphanet 98905, MedGen C1850674, MONDO:0009712, OMIM 255320, HP:0003789.
Malignant hyperthermia, susceptibility to, 1 (MHS1). Also called: Anesthesia related hyperthermia; Malignant hyperpyrexia; Fulminating hyperpyrexia; Pharmacogenic myopathy; RYR1-Related Malignant Hyperthermia Susceptibility; Malignant hyperthermia suceptibility 1. Identifiers: Orphanet 423, MedGen C2930980, MONDO:0007783, OMIM 145600.

Allele frequency attached by ClinVar (database versions not stated): TOPMed below 0.00001; ExAC 0.00002; gnomAD exomes 0.00002; gnomAD 0.00003.
gnomAD v4.1: 37 of 1,614,122 alleles (0.0023%); highest among the groups gnomAD compares: South Asian, 0.036%; 1 homozygote.

Submissions (4):

Labcorp Genetics (formerly Invitae), Labcorp
Classification: Likely benign for RYR1-related disorder. Last evaluated: 2025-12-20. Review status: criteria provided, single submitter. Criteria: Invitae Variant Classification Sherloc (09022015). Collection method: clinical testing. Allele origin: germline.

All of Us Research Program, National Institutes of Health
Classification: Likely benign for Malignant hyperthermia, susceptibility to, 1. Last evaluated: 2024-02-22. Review status: criteria provided, single submitter. Criteria: ACMG Guidelines, 2015. Collection method: clinical testing. Allele origin: germline. Inheritance: Autosomal dominant inheritance. Observed: 1 variant allele, 1 heterozygote.
Comment: This study involves interpretation of variants in research participants for the purpose of population health screening. Participant phenotype was not available at the time of variant classification. Additional details can be found in publication PMID: 35346344, PMCID: PMC8962531

Illumina Laboratory Services, Illumina
Classification: Uncertain significance for Malignant hyperthermia, susceptibility to, 1. Last evaluated: 2018-01-13. Review status: criteria provided, single submitter. Criteria: ICSL Variant Classification Criteria 13 December 2019. Collection method: clinical testing. Allele origin: germline.

Illumina Laboratory Services, Illumina
Classification: Uncertain significance for Congenital multicore myopathy with external ophthalmoplegia. Last evaluated: 2018-01-13. Review status: criteria provided, single submitter. Criteria: ICSL Variant Classification Criteria 13 December 2019. Collection method: clinical testing. Allele origin: germline.